The following is an entry in ClinVar:

ClinVar aggregate classification (germline): Likely pathogenic (1 of 4 stars; one submission).

Conditions:
Usher syndrome type 1D (USH1D). Also called: USHER SYNDROME, TYPE ID. Identifiers: Orphanet 231169, Orphanet 886, MedGen C1832845, MONDO:0010984, OMIM 601067.

Submission:

Myriad Genetics, Inc.
Classification: Likely pathogenic for Usher syndrome type 1D. Last evaluated: 2022-02-28. Review status: criteria provided, single submitter. Criteria: Myriad Women's Health Autosomal Recessive and X-Linked Classification Criteria (2021). Collection method: clinical testing. Allele origin: unknown.
Comment: NM_033056.3(PCDH15):c.3112G>T(E1038*) is expected to be pathogenic in the context of PCDH15-related disorders. This variant is predicted to lead to an abnormal or absent protein product due to the creation of a premature termination codon in PCDH15, a gene where loss-of-function variants are known to be pathogenic. Please note: this variant was assessed in the context of healthy population screening.

NM_001384140.1(PCDH15):c.3112G>T (p.Glu1038Ter)

Gene: PCDH15 (protocadherin related 15; minus strand). Cytogenetic location: 10q21.1.
Variant type: single nucleotide variant.
Coding change: c.3112G>T on transcript NM_001384140.1 (MANE Select); coding-DNA position 3112, G replaced by T.
Protein change: p.Glu1038Ter; replaces glutamic acid 1038 with a stop codon.
Molecular consequence: nonsense.
Genome position (GRCh38, 1-based): chr10:53,959,742, C>A on the plus strand (G>T on the coding strand, the complement: PCDH15 is on the minus strand). VCF-style: chr10-53959742-C-A. GRCh37 (hg19) VCF-style: chr10-55719502-C-A.
Other names: c.3127G>T, p.Glu1043Ter (NM_001142763.2, NM_001142771.2); c.3112G>T, p.Glu1038Ter (NM_001142764.2, NM_001142766.2, NM_001142770.3 and 4 more transcripts); c.2899G>T, p.Glu967Ter (NM_001142765.2); c.3001G>T, p.Glu1001Ter (NM_001142767.2); c.3046G>T, p.Glu1016Ter (NM_001142768.2, NM_001142773.2, NM_001354404.2); c.3148G>T, p.Glu1050Ter (NM_001142769.4); c.3133G>T, p.Glu1045Ter (NM_001354411.2); short protein forms E1001*, E1016*, E1038*, E1043*, E1045*, E1050*, E967*.
Identifiers: ClinVar variation 1724809 (VCV001724809.2), dbSNP rs2495074114, ClinGen allele CA376520752.